The following is an entry in ClinVar:

ClinVar aggregate classification (germline): Uncertain significance (1 of 4 stars; one submission).

Submission:

Labcorp Genetics (formerly Invitae), Labcorp
Classification: Uncertain significance. Last evaluated: 2025-07-03. Review status: criteria provided, single submitter. Criteria: Invitae Variant Classification Sherloc (09022015). Collection method: clinical testing. Allele origin: germline.
Comment: This sequence change replaces arginine, which is basic and polar, with leucine, which is neutral and non-polar, at codon 242 of the SLC18A3 protein (p.Arg242Leu). This variant is not present in population databases (gnomAD no frequency). This variant has not been reported in the literature in individuals affected with SLC18A3-related conditions. Invitae Evidence Modeling of protein sequence and biophysical properties (such as structural, functional, and spatial information, amino acid conservation, physicochemical variation, residue mobility, and thermodynamic stability) indicates that this missense variant is not expected to disrupt SLC18A3 protein function with a negative predictive value of 80%. In summary, the available evidence is currently insufficient to determine the role of this variant in disease. Therefore, it has been classified as a Variant of Uncertain Significance.

NM_003055.3(SLC18A3):c.725G>T (p.Arg242Leu)

Genes: CHAT (choline O-acetyltransferase; plus strand), SLC18A3 (solute carrier family 18 member A3; plus strand). Cytogenetic location: 10q11.23.
Variant type: single nucleotide variant.
Coding change: c.725G>T on transcript NM_003055.3 (MANE Select); coding-DNA position 725, G replaced by T.
Protein change: p.Arg242Leu; replaces arginine 242 with leucine.
Molecular consequence: missense variant. On other transcripts: intron variant (1).
Genome position (GRCh38, 1-based): chr10:49,611,465, G>T. VCF-style: chr10-49611465-G-T. GRCh37 (hg19) VCF-style: chr10-50819511-G-T.
Other names: c.-69+2266G>T (NM_020984.4); short protein forms R242L.
Identifiers: ClinVar variation 4761835 (VCV004761835.1).